The following is an entry in ClinVar:

NM_004260.4(RECQL4):c.1169T>G (p.Phe390Cys)

Gene: RECQL4 (RecQ like helicase 4; minus strand). Cytogenetic location: 8q24.3.
Variant type: single nucleotide variant.
Coding change: c.1169T>G on transcript NM_004260.4 (MANE Select); coding-DNA position 1169, T replaced by G.
Protein change: p.Phe390Cys; replaces phenylalanine 390 with cysteine.
Molecular consequence: missense variant.
Genome position (GRCh38, 1-based): chr8:144,515,853, A>C on the plus strand (T>G on the coding strand, the complement: RECQL4 is on the minus strand). VCF-style: chr8-144515853-A-C. GRCh37 (hg19) VCF-style: chr8-145741237-A-C.
Other names: short protein forms F390C.
Identifiers: ClinVar variation 666113 (VCV000666113.5), dbSNP rs1586819715, ClinGen allele CA372687703.

ClinVar aggregate classification (germline): Uncertain significance. Review status: criteria provided, multiple submitters, no conflicts (2 of 4 stars). 2 submissions from 2 submitters: Uncertain significance (2). Last evaluated 2026-02-21.

Conditions:
Inborn genetic diseases. Identifiers: MedGen C0950123, MeSH D030342.
Baller-Gerold syndrome (BGS). Also called: CRANIOSYNOSTOSIS WITH RADIAL DEFECTS. Identifiers: Orphanet 1225, MedGen C0265308, MONDO:0009039, OMIM 218600.

Submissions (2):

Ambry Genetics
Classification: Uncertain significance for Inborn genetic diseases. Last evaluated: 2026-02-21. Review status: criteria provided, single submitter. Criteria: Ambry Variant Classification Scheme 2023. Collection method: clinical testing. Allele origin: germline.
Comment: The p.F390C variant (also known as c.1169T>G), located in coding exon 6 of the RECQL4 gene, results from a T to G substitution at nucleotide position 1169. The phenylalanine at codon 390 is replaced by cysteine, an amino acid with highly dissimilar properties. This amino acid position is conserved. In addition, the in silico prediction for this alteration is inconclusive. Based on the available evidence, the clinical significance of this variant remains unclear.

Labcorp Genetics (formerly Invitae), Labcorp
Classification: Uncertain significance for Baller-Gerold syndrome. Last evaluated: 2023-10-10. Review status: criteria provided, single submitter. Criteria: Invitae Variant Classification Sherloc (09022015). Collection method: clinical testing. Allele origin: germline.
Comment: This sequence change replaces phenylalanine, which is neutral and non-polar, with cysteine, which is neutral and slightly polar, at codon 390 of the RECQL4 protein (p.Phe390Cys). This variant is not present in population databases (gnomAD no frequency). This variant has not been reported in the literature in individuals affected with RECQL4-related conditions. ClinVar contains an entry for this variant (Variation ID: 666113). Advanced modeling of protein sequence and biophysical properties (such as structural, functional, and spatial information, amino acid conservation, physicochemical variation, residue mobility, and thermodynamic stability) performed at Invitae indicates that this missense variant is expected to disrupt RECQL4 protein function. In summary, the available evidence is currently insufficient to determine the role of this variant in disease. Therefore, it has been classified as a Variant of Uncertain Significance.